The following is an entry in ClinVar:

NM_001370.2(DNAH6):c.2321C>T (p.Ala774Val)

Gene: DNAH6 (dynein axonemal heavy chain 6; plus strand). Cytogenetic location: 2p11.2.
Variant type: single nucleotide variant.
Coding change: c.2321C>T on transcript NM_001370.2 (MANE Select); coding-DNA position 2321, C replaced by T.
Protein change: p.Ala774Val; replaces alanine 774 with valine.
Molecular consequence: missense variant.
Genome position (GRCh38, 1-based): chr2:84,584,090, C>T. VCF-style: chr2-84584090-C-T. GRCh37 (hg19) VCF-style: chr2-84811214-C-T.
Other names: short protein forms A774V.
Identifiers: ClinVar variation 5000462 (VCV005000462.1).

ClinVar aggregate classification (germline): Uncertain significance (1 of 4 stars; one submission).

Conditions:
DNAH6-related disorder. Also called: DNAH6-related condition.

gnomAD v4.1: 1 of 1,614,146 alleles (0.000062%); highest among the groups gnomAD compares: Admixed American, 0.0017%; no homozygotes.

Submission:

PreventionGenetics, part of Exact Sciences
Classification: Uncertain significance for DNAH6-related condition. Last evaluated: 2024-12-26. Review status: criteria provided, single submitter. Criteria: ACMG Guidelines, 2015. Collection method: clinical testing. Allele origin: germline.
Comment: The DNAH6 c.2321C>T variant is predicted to result in the amino acid substitution p.Ala774Val. To our knowledge, this variant has not been reported in the literature. This variant is reported in 0.0029% of alleles in individuals of Latino descent in gnomAD. At this time, the clinical significance of this variant is uncertain due to the absence of conclusive functional and genetic evidence.